The following is an entry in ClinVar:

ClinVar aggregate classification (germline): Uncertain significance (1 of 4 stars; one submission).

Conditions:
Kabuki syndrome. Also called: Kabuki make-up syndrome; NIIKAWA-KUROKI SYNDROME. Identifiers: Orphanet 2322, MedGen C0796004, MONDO:0016512.

Submission:

Labcorp Genetics (formerly Invitae), Labcorp
Classification: Uncertain significance for Kabuki syndrome. Last evaluated: 2022-09-10. Review status: criteria provided, single submitter. Criteria: Invitae Variant Classification Sherloc (09022015). Collection method: clinical testing. Allele origin: germline.
Comment: This variant is not present in population databases (gnomAD no frequency). In summary, the available evidence is currently insufficient to determine the role of this variant in disease. Therefore, it has been classified as a Variant of Uncertain Significance. Advanced modeling of protein sequence and biophysical properties (such as structural, functional, and spatial information, amino acid conservation, physicochemical variation, residue mobility, and thermodynamic stability) performed at Invitae indicates that this missense variant is expected to disrupt KMT2D protein function. This variant has not been reported in the literature in individuals affected with KMT2D-related conditions. This sequence change replaces aspartic acid, which is acidic and polar, with glycine, which is neutral and non-polar, at codon 295 of the KMT2D protein (p.Asp295Gly).

NM_003482.4(KMT2D):c.884A>G (p.Asp295Gly)

Gene: KMT2D (lysine methyltransferase 2D; minus strand). Cytogenetic location: 12q13.12.
Variant type: single nucleotide variant.
Coding change: c.884A>G on transcript NM_003482.4 (MANE Select); coding-DNA position 884, A replaced by G.
Protein change: p.Asp295Gly; replaces aspartic acid 295 with glycine.
Molecular consequence: missense variant.
Genome position (GRCh38, 1-based): chr12:49,053,277, T>C on the plus strand (A>G on the coding strand, the complement: KMT2D is on the minus strand). VCF-style: chr12-49053277-T-C. GRCh37 (hg19) VCF-style: chr12-49447060-T-C.
Other names: short protein forms D295G.
Identifiers: ClinVar variation 1718362 (VCV001718362.5), dbSNP rs2498464131, ClinGen allele CA384679869.
Genomic context (GRCh38, chr12:49,053,277, plus strand): 5'-CAAGAGTGAGCAGGCAGTTCCTCCATGGGTGGTTTTAGGCAGAAAGTATGGTATCCTTTG[T>C]CACACGTCTCACAAACCAACATCTTAGAGTCATTCCCAGGTTTCCTGCAGGTGCACATGG-3'
Protein context (NP_003473.3, residues 285-305): DSKMLVCETC[Asp295Gly]KGYHTFCLKP